The following is an entry in ClinVar:

NM_031448.6(C19orf12):c.157G>A (p.Val53Ile)

Gene: C19orf12 (chromosome 19 open reading frame 12; minus strand). Cytogenetic location: 19q12.
Variant type: single nucleotide variant.
Coding change: c.157G>A on transcript NM_031448.6 (MANE Select); coding-DNA position 157, G replaced by A.
Protein change: p.Val53Ile; replaces valine 53 with isoleucine.
Molecular consequence: missense variant. On other transcripts: 5 prime UTR variant (1), intron variant (2).
Genome position (GRCh38, 1-based): chr19:29,708,257, C>T on the plus strand (G>A on the coding strand, the complement: C19orf12 is on the minus strand). VCF-style: chr19-29708257-C-T. GRCh37 (hg19) VCF-style: chr19-30199164-C-T.
Other names: c.157G>A, p.Val53Ile (NM_001031726.4, NM_001256046.3, NM_001256047.2); c.-157G>A (NM_001282931.3); c.-32-5280G>A (NM_001282929.1, NM_001282930.3); short protein forms V53I.
Identifiers: ClinVar variation 1990573 (VCV001990573.3), dbSNP rs770151721, ClinGen allele CA9351973.

ClinVar aggregate classification (germline): Uncertain significance (1 of 4 stars; one submission).

Conditions:
Hereditary spastic paraplegia 43. Also called: Spastic paraplegia 43, autosomal recessive. Identifiers: Orphanet 320370, MedGen C2680446, MONDO:0014024, OMIM 615043.

Allele frequency attached by ClinVar (database versions not stated): gnomAD exomes 0.00001; ExAC 0.00003.

Submission:

Labcorp Genetics (formerly Invitae), Labcorp
Classification: Uncertain significance for Hereditary spastic paraplegia 43. Last evaluated: 2022-05-09. Review status: criteria provided, single submitter. Criteria: Invitae Variant Classification Sherloc (09022015). Collection method: clinical testing. Allele origin: germline.
Comment: In summary, the available evidence is currently insufficient to determine the role of this variant in disease. Therefore, it has been classified as a Variant of Uncertain Significance. Algorithms developed to predict the effect of missense changes on protein structure and function output the following: SIFT: "Tolerated"; PolyPhen-2: "Benign"; Align-GVGD: "Class C0". The isoleucine amino acid residue is found in multiple mammalian species, which suggests that this missense change does not adversely affect protein function. This variant has not been reported in the literature in individuals affected with C19orf12-related conditions. This variant is present in population databases (rs770151721, gnomAD 0.01%). This sequence change replaces valine, which is neutral and non-polar, with isoleucine, which is neutral and non-polar, at codon 64 of the C19orf12 protein (p.Val64Ile).